The following is an entry in ClinVar:

NM_003737.4(DCHS1):c.2548C>T (p.Arg850Cys)

Gene: DCHS1 (dachsous cadherin-related 1; minus strand). Cytogenetic location: 11p15.4.
Variant type: single nucleotide variant.
Coding change: c.2548C>T on transcript NM_003737.4 (MANE Select); coding-DNA position 2548, C replaced by T.
Protein change: p.Arg850Cys; replaces arginine 850 with cysteine.
Molecular consequence: missense variant.
Genome position (GRCh38, 1-based): chr11:6,632,964, G>A on the plus strand (C>T on the coding strand, the complement: DCHS1 is on the minus strand). VCF-style: chr11-6632964-G-A. GRCh37 (hg19) VCF-style: chr11-6654195-G-A.
Other names: c.2548C>T (NM_003737.2); short protein forms R850C.
Identifiers: ClinVar variation 1198024 (VCV001198024.21), dbSNP rs79559386, ClinGen allele CA5860700.

ClinVar aggregate classification (germline): Conflicting classifications of pathogenicity. Review status: criteria provided, conflicting classifications (1 of 4 stars). 6 submissions from 6 submitters: Uncertain significance (1); Benign (1); Likely benign (3). 1 of the submissions does not count toward it. Last evaluated 2026-02-01.

Conditions:
Inborn genetic diseases. Identifiers: MedGen C0950123, MeSH D030342.
DCHS1-related disorder. Also called: DCHS1-related condition.

Allele frequency attached by ClinVar (database versions not stated): ESP Exome Variant Server 0.00031; gnomAD exomes 0.00049 and 0.00104; gnomAD 0.00078 and 0.00095; TOPMed 0.00097; ExAC 0.00120; 1000 Genomes Project 0.00180; 1000 Genomes Project 30x 0.00187.
gnomAD v4.1: 871 of 1,614,018 alleles (0.054%); highest among the groups gnomAD compares: South Asian, 0.66%; 3 homozygotes.

Submissions (6):

CeGaT Center for Human Genetics Tuebingen
Classification: Likely benign. Last evaluated: 2026-02-01. Review status: criteria provided, single submitter. Criteria: CeGaT Center For Human Genetics Tuebingen Variant Classification Criteria Version 2. Collection method: clinical testing. Allele origin: germline. Affected: yes. Observed: 2 variant alleles.
Comment: DCHS1: BP4, BS1

Labcorp Genetics (formerly Invitae), Labcorp
Classification: Benign. Last evaluated: 2026-01-22. Review status: criteria provided, single submitter. Criteria: Invitae Variant Classification Sherloc (09022015). Collection method: clinical testing. Allele origin: germline.

Blueprint Genetics
Classification: Likely benign. Last evaluated: 2024-11-13. Review status: criteria provided, single submitter. Criteria: ACMG Guidelines, 2015. Collection method: clinical testing. Allele origin: germline.

Ambry Genetics
Classification: Uncertain significance for Inborn genetic diseases. Last evaluated: 2022-03-29. Review status: criteria provided, single submitter. Criteria: Ambry Variant Classification Scheme 2023. Collection method: clinical testing. Allele origin: germline.

GeneDx
Classification: Likely benign. Last evaluated: 2020-03-19. Review status: criteria provided, single submitter. Criteria: GeneDx Variant Classification Process June 2021. Collection method: clinical testing. Allele origin: germline. Affected: yes.

PreventionGenetics, part of Exact Sciences
Classification: Likely benign for DCHS1-related condition. Last evaluated: 2019-06-28. Review status: no assertion criteria provided. Collection method: clinical testing. Allele origin: germline. Not counted in ClinVar's aggregate classification.
Comment: This variant is classified as likely benign based on ACMG/AMP sequence variant interpretation guidelines (Richards et al. 2015 PMID: 25741868, with internal and published modifications).